The following is an entry in ClinVar:

ClinVar aggregate classification (germline): Uncertain significance. Review status: criteria provided, multiple submitters, no conflicts (2 of 4 stars). 2 submissions from 2 submitters: Uncertain significance (2). Last evaluated 2024-10-24.

Conditions:
Primary ciliary dyskinesia. Also called: Ciliary dyskinesia. Identifiers: Orphanet 244, MedGen C0008780, MONDO:0016575, HP:0012265.

Allele frequency attached by ClinVar (database versions not stated): ExAC 0.00004; TOPMed 0.00002.
gnomAD v4.1: 15 of 1,614,228 alleles (0.00093%); highest among the groups gnomAD compares: Admixed American, 0.0083%; no homozygotes.

Submissions (2):

Ambry Genetics
Classification: Uncertain significance for Primary ciliary dyskinesia. Last evaluated: 2024-10-24. Review status: criteria provided, single submitter. Criteria: Ambry Variant Classification Scheme 2023. Collection method: clinical testing. Allele origin: germline.

Labcorp Genetics (formerly Invitae), Labcorp
Classification: Uncertain significance for Primary ciliary dyskinesia. Last evaluated: 2021-09-24. Review status: criteria provided, single submitter. Criteria: Invitae Variant Classification Sherloc (09022015). Collection method: clinical testing. Allele origin: germline.
Comment: This sequence change replaces valine with methionine at codon 85 of the DNAI2 protein (p.Val85Met). The valine residue is moderately conserved and there is a small physicochemical difference between valine and methionine. This variant is present in population databases (rs749468635, ExAC 0.02%). This variant has not been reported in the literature in individuals with DNAI2-related conditions. Algorithms developed to predict the effect of missense changes on protein structure and function are either unavailable or do not agree on the potential impact of this missense change (SIFT: "Deleterious"; PolyPhen-2: "Probably Damaging"; Align-GVGD: "Class C0"). In summary, the available evidence is currently insufficient to determine the role of this variant in disease. Therefore, it has been classified as a Variant of Uncertain Significance.

NM_023036.6(DNAI2):c.253G>A (p.Val85Met)

Gene: DNAI2 (dynein axonemal intermediate chain 2; plus strand). Cytogenetic location: 17q25.1.
Variant type: single nucleotide variant.
Coding change: c.253G>A on transcript NM_023036.6 (MANE Select); coding-DNA position 253, G replaced by A.
Protein change: p.Val85Met; replaces valine 85 with methionine.
Molecular consequence: missense variant. On other transcripts: non-coding transcript variant (1).
Genome position (GRCh38, 1-based): chr17:74,285,109, G>A. VCF-style: chr17-74285109-G-A. GRCh37 (hg19) VCF-style: chr17-72281248-G-A.
Other names: c.253G>A, p.Val85Met (NM_001172810.3, NM_001353167.2); short protein forms V85M.
Identifiers: ClinVar variation 1792804 (VCV001792804.5), dbSNP rs749468635, ClinGen allele CA8745304.